The following is an entry in ClinVar:

NM_003722.5(TP63):c.473C>T (p.Ala158Val)

Gene: TP63 (tumor protein p63; plus strand). Cytogenetic location: 3q28.
Variant type: single nucleotide variant.
Coding change: c.473C>T on transcript NM_003722.5 (MANE Select); coding-DNA position 473, C replaced by T.
Protein change: p.Ala158Val; replaces alanine 158 with valine.
Molecular consequence: missense variant. On other transcripts: intron variant (2).
Genome position (GRCh38, 1-based): chr3:189,808,420, C>T. VCF-style: chr3-189808420-C-T. GRCh37 (hg19) VCF-style: chr3-189526209-C-T.
Other names: c.473C>T, p.Ala158Val (NM_001114978.2, NM_001114979.2, NM_001329144.2 and 1 more transcripts); c.191C>T, p.Ala64Val (NM_001114980.2, NM_001114981.2, NM_001114982.2 and 2 more transcripts); c.467C>T, p.Ala156Val (NM_001329964.2); c.42+18578C>T (NM_001329146.2, NM_001329150.2); short protein forms A156V, A158V, A64V.
Identifiers: ClinVar variation 1386950 (VCV001386950.7), dbSNP rs767384779, ClinGen allele CA2752150.

ClinVar aggregate classification (germline): Uncertain significance (1 of 4 stars; one submission).

Conditions:
TP63-Related Spectrum Disorders.

Allele frequency attached by ClinVar (database versions not stated): gnomAD 0.00001; gnomAD exomes 0.00001; ExAC 0.00002.

Submission:

Labcorp Genetics (formerly Invitae), Labcorp
Classification: Uncertain significance. Last evaluated: 2024-12-08. Review status: criteria provided, single submitter. Criteria: Invitae Variant Classification Sherloc (09022015). Collection method: clinical testing. Allele origin: germline.
Comment: This sequence change replaces alanine, which is neutral and non-polar, with valine, which is neutral and non-polar, at codon 158 of the TP63 protein (p.Ala158Val). This variant is present in population databases (rs767384779, gnomAD 0.003%). This variant has not been reported in the literature in individuals affected with TP63-related conditions. ClinVar contains an entry for this variant (Variation ID: 1386950). Invitae Evidence Modeling incorporating data from in vitro experimental studies (internal data) indicates that this missense variant is not expected to disrupt TP63 function with a negative predictive value of 95%. In summary, the available evidence is currently insufficient to determine the role of this variant in disease. Therefore, it has been classified as a Variant of Uncertain Significance.